The following is an entry in ClinVar:

NM_000038.6(APC):c.7910_7912del (p.Gly2637del)

Gene: APC (APC regulator of Wnt signaling pathway; plus strand). Cytogenetic location: 5q22.2.
Variant type: Deletion.
Coding change: c.7910_7912del on transcript NM_000038.6 (MANE Select); coding-DNA positions 7910 to 7912, 3 bases deleted (GTG; older notation c.7910_7912delGTG).
Protein change: p.Gly2637del; deletes glycine 2637.
Molecular consequence: inframe deletion.
Genome position (GRCh38, 1-based): chr5:112,843,504-112,843,506, GTG deleted; deleting any 3 consecutive bases within chr5:112,843,502-112,843,506 gives the same sequence; the c. name uses the placement nearest the transcript's 3' end. VCF-style (leftmost placement, unchanged base first): chr5-112843501-ATGG-A. GRCh37 (hg19) VCF-style: chr5-112179198-ATGG-A.
Other names: c.7910_7912del, p.Gly2637del (NM_001127510.3, NM_001354895.2); c.7856_7858del, p.Gly2619del (NM_001127511.3); c.7964_7966del, p.Gly2655del (NM_001354896.2); c.7940_7942del, p.Gly2647del (NM_001354897.2); c.7835_7837del, p.Gly2612del (NM_001354898.2); c.7826_7828del, p.Gly2609del (NM_001354899.2); c.7787_7789del, p.Gly2596del (NM_001354900.2); c.7733_7735del, p.Gly2578del (NM_001354901.2); and 6 more; short protein forms G2619del, G2637del, G2477del, G2536del, G2596del, G2612del, G2609del, G2354del.
Identifiers: ClinVar variation 419743 (VCV000419743.15), dbSNP rs1064794079, ClinGen allele CA16618094.

ClinVar aggregate classification (germline): Uncertain significance. Review status: criteria provided, multiple submitters, no conflicts (2 of 4 stars). 3 submissions from 3 submitters: Uncertain significance (3). Last evaluated 2026-01-14.

Conditions:
Hereditary cancer-predisposing syndrome. Also called: Hereditary neoplastic syndrome; Tumor predisposition; Neoplastic Syndromes, Hereditary; Hereditary Cancer Syndrome. Identifiers: Orphanet 140162, MedGen C0027672, MeSH D009386, MONDO:0015356.
Familial adenomatous polyposis 1 (FAP1). Also called: FAMILIAL ADENOMATOUS POLYPOSIS 1, ATTENUATED; POLYPOSIS, ADENOMATOUS INTESTINAL. Identifiers: MedGen C2713442, MONDO:0021056, OMIM 175100. Disease mechanism: loss of function.

Submissions (3):

Labcorp Genetics (formerly Invitae), Labcorp
Classification: Uncertain significance for Familial adenomatous polyposis 1. Last evaluated: 2026-01-14. Review status: criteria provided, single submitter. Criteria: Invitae Variant Classification Sherloc (09022015). Collection method: clinical testing. Allele origin: germline.
Comment: This variant, c.7910_7912del, results in the deletion of 1 amino acid(s) of the APC protein (p.Gly2637del), but otherwise preserves the integrity of the reading frame. This variant is present in population databases (no rsID available, gnomAD 0.006%). This variant has not been reported in the literature in individuals affected with APC-related conditions. ClinVar contains an entry for this variant (Variation ID: 419743). Experimental studies and prediction algorithms are not available or were not evaluated, and the functional significance of this variant is currently unknown. In summary, the available evidence is currently insufficient to determine the role of this variant in disease. Therefore, it has been classified as a Variant of Uncertain Significance.

Ambry Genetics
Classification: Uncertain significance for Hereditary cancer-predisposing syndrome. Last evaluated: 2025-08-18. Review status: criteria provided, single submitter. Criteria: Ambry Variant Classification Scheme 2023. Collection method: clinical testing. Allele origin: germline.
Comment: The c.7910_7912delGTG variant (also known as p.G2637del) is located in coding exon 15 of the APC gene. This variant results from an in-frame GTG deletion at nucleotide positions 7910 to 7912. This results in the in-frame deletion of a glycine at codon 2637. This amino acid position is well conserved in available vertebrate species. In addition, this alteration is predicted to be neutral by in silico analysis (Choi Y et al. PLoS ONE. 2012; 7(10):e46688). Based on the available evidence, the clinical significance of this variant remains unclear.

GeneDx
Classification: Uncertain significance. Last evaluated: 2015-08-18. Review status: criteria provided, single submitter. Criteria: GeneDx Variant Classification (06012015). Collection method: clinical testing. Allele origin: germline. Affected: yes.
Comment: This deletion of 3 nucleotides in APC is denoted c.7910_7912delGTG at the cDNA level and p.Gly2637del (G2637del) at the protein level. The normal sequence, with the bases that are deleted in braces, is AATG[GTG]CTGA. This in frame deletion of a single Glycine residue occurs at a position that is conserved through mammals and is located in the EB1 binding domain (Azzopardi 2008). APC Gly2637del was not observed in approximately 6,500 individuals of European and African American ancestry in the NHLBI Exome Sequencing Project, suggesting it is not a common benign variant in these populations. This variant has not, to our knowledge, been published in the literature as pathogenic or benign. Since in frame deletions may or may not inhibit proper protein functioning, the clinical significance of this finding remains unclear at this time and we consider APC Gly2637del to be a variant of uncertain significance.